The following is an entry in ClinVar:

ClinVar aggregate classification (germline): Uncertain significance (1 of 4 stars; one submission).

Submission:

Labcorp Genetics (formerly Invitae), Labcorp
Classification: Uncertain significance. Last evaluated: 2025-05-13. Review status: criteria provided, single submitter. Criteria: Invitae Variant Classification Sherloc (09022015). Collection method: clinical testing. Allele origin: germline.
Comment: This sequence change replaces valine, which is neutral and non-polar, with glycine, which is neutral and non-polar, at codon 186 of the NTHL1 protein (p.Val186Gly). This variant is not present in population databases (gnomAD no frequency). This variant has not been reported in the literature in individuals affected with NTHL1-related conditions. ClinVar contains an entry for this variant (Variation ID: 838784). An algorithm developed to predict the effect of missense changes on protein structure and function (PolyPhen-2) suggests that this variant is likely to be tolerated. In summary, the available evidence is currently insufficient to determine the role of this variant in disease. Therefore, it has been classified as a Variant of Uncertain Significance.

NM_002528.7(NTHL1):c.533T>G (p.Val178Gly)

Gene: NTHL1 (nth like DNA glycosylase 1; minus strand). Cytogenetic location: 16p13.3.
Variant type: single nucleotide variant.
Coding change: c.533T>G on transcript NM_002528.7 (MANE Select); coding-DNA position 533, T replaced by G.
Protein change: p.Val178Gly; replaces valine 178 with glycine.
Molecular consequence: missense variant.
Genome position (GRCh38, 1-based): chr16:2,043,719, A>C on the plus strand (T>G on the coding strand, the complement: NTHL1 is on the minus strand). VCF-style: chr16-2043719-A-C. GRCh37 (hg19) VCF-style: chr16-2093720-A-C.
Other names: c.362T>G, p.Val121Gly (NM_001318193.2); c.203T>G, p.Val68Gly (NM_001318194.2); short protein forms V121G, V68G, V178G.
Identifiers: ClinVar variation 838784 (VCV000838784.8), dbSNP rs2084301301, ClinGen allele CA394292553.
Genomic context (GRCh38, chr16:2,043,719, plus strand): 5'-GCTGGGATGTCCCCACCGTAGTGCTGCTGCAGGATGGCGCTGGTCTGCTTGATGTATTTC[A>C]CCTTGCTCTGAAAGACAGGGGTGGGTTCAGCCTTGGAGGCAAGGGCACAGCCCAACCTGG-3'
Protein context (NP_002519.2, residues 168-188): IYPVGFWRSK[Val178Gly]KYIKQTSAIL